The following is an entry in ClinVar:

ClinVar aggregate classification (germline): Uncertain significance (1 of 4 stars; one submission).

Conditions:
Progressive familial heart block type IB (PFHB1B). Identifiers: Orphanet 871, MedGen C1970298, MONDO:0011474, OMIM 604559.

gnomAD v4.1: 5 of 1,613,990 alleles (0.00031%); highest among the groups gnomAD compares: African/African-American, 0.0013%; no homozygotes.

Submission:

Labcorp Genetics (formerly Invitae), Labcorp
Classification: Uncertain significance for Progressive familial heart block type IB. Last evaluated: 2025-06-09. Review status: criteria provided, single submitter. Criteria: Invitae Variant Classification Sherloc (09022015). Collection method: clinical testing. Allele origin: germline.
Comment: This sequence change replaces leucine, which is neutral and non-polar, with tryptophan, which is neutral and slightly polar, at codon 1092 of the TRPM4 protein (p.Leu1092Trp). This variant is present in population databases (no rsID available, gnomAD 0.002%). This variant has not been reported in the literature in individuals affected with TRPM4-related conditions. An algorithm developed to predict the effect of missense changes on protein structure and function outputs the following: PolyPhen-2: "Benign". The tryptophan amino acid residue is found in multiple mammalian species, which suggests that this missense change does not adversely affect protein function. In summary, the available evidence is currently insufficient to determine the role of this variant in disease. Therefore, it has been classified as a Variant of Uncertain Significance.

NM_017636.4(TRPM4):c.3275T>G (p.Leu1092Trp)

Gene: TRPM4 (transient receptor potential cation channel subfamily M member 4; plus strand). Cytogenetic location: 19q13.33.
Variant type: single nucleotide variant.
Coding change: c.3275T>G on transcript NM_017636.4 (MANE Select); coding-DNA position 3275, T replaced by G.
Protein change: p.Leu1092Trp; replaces leucine 1092 with tryptophan.
Molecular consequence: missense variant.
Genome position (GRCh38, 1-based): chr19:49,210,352, T>G. VCF-style: chr19-49210352-T-G. GRCh37 (hg19) VCF-style: chr19-49713609-T-G.
Other names: c.2840T>G, p.Leu947Trp (NM_001195227.2); c.2930T>G, p.Leu977Trp (NM_001321281.2); c.1667T>G, p.Leu556Trp (NM_001321282.2); c.2753T>G, p.Leu918Trp (NM_001321283.2); c.2213T>G, p.Leu738Trp (NM_001321285.2); short protein forms L977W, L556W, L947W, L918W, L1092W, L738W.
Identifiers: ClinVar variation 4743810 (VCV004743810.1).